The following is an entry in ClinVar:

NM_001261826.3(AP3D1):c.463A>G (p.Met155Val)

Gene: AP3D1 (adaptor related protein complex 3 subunit delta 1; minus strand). Cytogenetic location: 19p13.3.
Variant type: single nucleotide variant.
Coding change: c.463A>G on transcript NM_001261826.3 (MANE Select); coding-DNA position 463, A replaced by G.
Protein change: p.Met155Val; replaces methionine 155 with valine.
Molecular consequence: missense variant.
Genome position (GRCh38, 1-based): chr19:2,130,537, T>C on the plus strand (A>G on the coding strand, the complement: AP3D1 is on the minus strand). VCF-style: chr19-2130537-T-C. GRCh37 (hg19) VCF-style: chr19-2130536-T-C.
Other names: c.463A>G, p.Met155Val (NM_001374799.1, NM_003938.8); c.463A>G (NM_003938.5); short protein forms M155V.
Identifiers: ClinVar variation 1976394 (VCV001976394.6), dbSNP rs1481627122, ClinGen allele CA403228470.

ClinVar aggregate classification (germline): Uncertain significance. Review status: criteria provided, multiple submitters, no conflicts (2 of 4 stars). 2 submissions from 2 submitters: Uncertain significance (2). Last evaluated 2024-10-18.

Conditions:
Inborn genetic diseases. Identifiers: MedGen C0950123, MeSH D030342.

Allele frequency attached by ClinVar (database versions not stated): gnomAD 0.00002; gnomAD exomes 0.00002; TOPMed 0.00002.

Submissions (2):

Labcorp Genetics (formerly Invitae), Labcorp
Classification: Uncertain significance. Last evaluated: 2024-10-18. Review status: criteria provided, single submitter. Criteria: Invitae Variant Classification Sherloc (09022015). Collection method: clinical testing. Allele origin: germline.
Comment: This sequence change replaces methionine, which is neutral and non-polar, with valine, which is neutral and non-polar, at codon 155 of the AP3D1 protein (p.Met155Val). This variant is present in population databases (no rsID available, gnomAD 0.01%). This variant has not been reported in the literature in individuals affected with AP3D1-related conditions. ClinVar contains an entry for this variant (Variation ID: 1976394). An algorithm developed to predict the effect of missense changes on protein structure and function (PolyPhen-2) suggests that this variant is likely to be tolerated. In summary, the available evidence is currently insufficient to determine the role of this variant in disease. Therefore, it has been classified as a Variant of Uncertain Significance.

Ambry Genetics
Classification: Uncertain significance for Inborn genetic diseases. Last evaluated: 2024-08-28. Review status: criteria provided, single submitter. Criteria: Ambry Variant Classification Scheme 2023. Collection method: clinical testing. Allele origin: germline.